The following is an entry in ClinVar:

GRCh38/hg38 15q11.2(chr15:22572809-23066575)x1

Genes: CYFIP1 (cytoplasmic FMR1 interacting protein 1; minus strand), NIPA1 (NIPA magnesium transporter 1; plus strand), NIPA2 (NIPA magnesium transporter 2; plus strand), TUBGCP5 (tubulin gamma complex component 5; minus strand), LOC112272575 (Sharpr-MPRA regulatory region 8478; plus strand) and 15 more. Cytogenetic location: 15q11.2.
Variant type: copy number loss.
Change: copy number 1 (one copy instead of two) of chr15:22,572,809-23,066,575 (493.8 kb, GRCh38 coordinates, 1-based), cytogenetic band 15q11.2.
Identifiers: ClinVar variation 57522 (VCV000057522.2).

ClinVar aggregate classification (germline): Uncertain significance (1 of 4 stars; one submission).

Submission:

ISCA Site 6
Classification: Uncertain significance. Last evaluated: 2011-08-12. Review status: criteria provided, single submitter. Criteria: Kaminsky et al. (Genet Med. 2011). Collection method: clinical testing. Allele origin: paternal. Affected: yes. Observed: 2 variant alleles.
Comment: Copy number variation identified through the course of routine clinical cytogenomic testing in postnatal populations. Clinical assertions have been curated as described in Kaminsky et al. 2011.